The following is an entry in ClinVar:

ClinVar aggregate classification (germline): Uncertain significance (1 of 4 stars; one submission).

Submission:

Dasa
Classification: Uncertain significance. Last evaluated: 2024-10-31. Review status: criteria provided, single submitter. Criteria: DASA Assertion Criteria. Collection method: clinical testing. Allele origin: germline.
Comment: NM_001330260.2(SCN8A):c.409A>G (p.Ile137Val) is a missense variant that results in the substitution of isoleucine with valine. This variant is absent from population databases. The currently available literature and clinical evidence are not sufficient to establish a definitive association between this variant and the reported condition. Therefore, this variant is classified as a variant of uncertain significance.

NM_001330260.2(SCN8A):c.409A>G (p.Ile137Val)

Gene: SCN8A (sodium voltage-gated channel alpha subunit 8; plus strand). Cytogenetic location: 12q13.13.
Variant type: single nucleotide variant.
Coding change: c.409A>G on transcript NM_001330260.2 (MANE Select); coding-DNA position 409, A replaced by G.
Protein change: p.Ile137Val; replaces isoleucine 137 with valine.
Molecular consequence: missense variant.
Genome position (GRCh38, 1-based): chr12:51,686,381, A>G. VCF-style: chr12-51686381-A-G. GRCh37 (hg19) VCF-style: chr12-52080165-A-G.
Other names: c.409A>G, p.Ile137Val (NM_001177984.3, NM_001369788.1, NM_014191.4); short protein forms I137V.
Identifiers: ClinVar variation 4882860 (VCV004882860.2).